The following is an entry in ClinVar:

ClinVar aggregate classification (germline): Uncertain significance (1 of 4 stars; one submission).

Submission:

GeneDx
Classification: Uncertain significance. Last evaluated: 2023-04-12. Review status: criteria provided, single submitter. Criteria: GeneDx Variant Classification Process June 2021. Collection method: clinical testing. Allele origin: germline. Affected: yes.
Comment: Not observed at significant frequency in large population cohorts (gnomAD); In silico analysis supports that this missense variant does not alter protein structure/function; Has not been previously published as pathogenic or benign to our knowledge

NM_004484.4(GPC3):c.935G>A (p.Arg312Lys)

Gene: GPC3 (glypican 3; minus strand). Cytogenetic location: Xq26.2.
Variant type: single nucleotide variant.
Coding change: c.935G>A on transcript NM_004484.4 (MANE Select); coding-DNA position 935, G replaced by A.
Protein change: p.Arg312Lys; replaces arginine 312 with lysine.
Molecular consequence: missense variant.
Genome position (GRCh38, 1-based): chrX:133,753,579, C>T on the plus strand (G>A on the coding strand, the complement: GPC3 is on the minus strand). VCF-style: chrX-133753579-C-T. GRCh37 (hg19) VCF-style: chrX-132887606-C-T.
Other names: c.935G>A, p.Arg312Lys (NM_001164617.2); c.887G>A, p.Arg296Lys (NM_001164618.2); c.773G>A, p.Arg258Lys (NM_001164619.2); short protein forms R258K, R296K, R312K.
Identifiers: ClinVar variation 3343042 (VCV003343042.1).
Genomic context (GRCh38, chrX:133,753,579, plus strand): 5'-TGGATAGAATCATGGATTGTTGAAAAGAGACCAAGCAGTACGTTCTCCATGTCATAGATT[C>T]TGTACATGCCATTCACAAGTTCTTCAAGGGACAGAATGTATTCTCTCCAGTACTTGTCAA-3'
Protein context (NP_004475.1, residues 302-322): SLEELVNGMY[Arg312Lys]IYDMENVLLG